The following is an entry in ClinVar:

ClinVar aggregate classification (germline): Uncertain significance (1 of 4 stars; one submission).

Submission:

GeneDx
Classification: Uncertain significance. Last evaluated: 2023-05-01. Review status: criteria provided, single submitter. Criteria: GeneDx Variant Classification Process June 2021. Collection method: clinical testing. Allele origin: germline. Affected: yes.
Comment: Not observed at significant frequency in large population cohorts (gnomAD); In silico analysis supports that this missense variant has a deleterious effect on protein structure/function; Has not been previously published as pathogenic or benign to our knowledge

NM_021072.4(HCN1):c.704T>C (p.Ile235Thr)

Gene: HCN1 (hyperpolarization activated cyclic nucleotide gated potassium channel 1; minus strand). Cytogenetic location: 5p12.
Variant type: single nucleotide variant.
Coding change: c.704T>C on transcript NM_021072.4 (MANE Select); coding-DNA position 704, T replaced by C.
Protein change: p.Ile235Thr; replaces isoleucine 235 with threonine.
Molecular consequence: missense variant.
Genome position (GRCh38, 1-based): chr5:45,645,330, A>G on the plus strand (T>C on the coding strand, the complement: HCN1 is on the minus strand). VCF-style: chr5-45645330-A-G. GRCh37 (hg19) VCF-style: chr5-45645432-A-G.
Other names: short protein forms I235T.
Identifiers: ClinVar variation 2661932 (VCV002661932.1), dbSNP rs2478543366, ClinGen allele CA359707304.